The following is an entry in ClinVar:

ClinVar aggregate classification (germline): Benign/Likely benign. Review status: criteria provided, multiple submitters, no conflicts (2 of 4 stars). 4 submissions from 4 submitters: Benign (1); Likely benign (3). Last evaluated 2025-08-31.

Conditions:
Hereditary cancer-predisposing syndrome. Also called: Hereditary neoplastic syndrome; Neoplastic Syndromes, Hereditary; Tumor predisposition; Hereditary Cancer Syndrome. Identifiers: Orphanet 140162, MedGen C0027672, MeSH D009386, MONDO:0015356.
Familial thoracic aortic aneurysm and aortic dissection (TAAD). Also called: Thoracic aortic aneurysms and dissections. Identifiers: Orphanet 91387, MedGen C4707243, MONDO:0019625.
Juvenile polyposis syndrome (JPS). Identifiers: Orphanet 2929, MedGen C0345893, MONDO:0017380, OMIM 174900.
Juvenile polyposis/hereditary hemorrhagic telangiectasia syndrome (JPHT). Also called: Juvenile Polyposis Syndrome / Hereditary Hemorrhagic Telangiectasia (JPS/HHT); JP/HHT SYNDROME; JUVENILE POLYPOSIS WITH HEREDITARY HEMORRHAGIC TELANGIECTASIA; POLYPOSIS, GENERALIZED JUVENILE, WITH PULMONARY ARTERIOVENOUS MALFORMATION; TELANGIECTASIA, HEREDITARY HEMORRHAGIC, WITH JUVENILE POLYPOSIS COLI. Identifiers: Orphanet 2929, MedGen C1832942, MONDO:0008278, OMIM 175050.

Submissions (4):

Labcorp Genetics (formerly Invitae), Labcorp
Classification: Likely benign for Juvenile polyposis syndrome. Last evaluated: 2025-08-31. Review status: criteria provided, single submitter. Criteria: Invitae Variant Classification Sherloc (09022015). Collection method: clinical testing. Allele origin: germline.

Myriad Genetics, Inc.
Classification: Benign for Juvenile polyposis/hereditary hemorrhagic telangiectasia syndrome. Last evaluated: 2025-03-24. Review status: criteria provided, single submitter. Criteria: Myriad Autosomal Dominant, Autosomal Recessive and X-Linked Classification Criteria (2023). Collection method: clinical testing. Allele origin: unknown.
Comment: This variant is considered benign. This variant is a silent/synonymous amino acid change and it is not expected to impact splicing.

Color Diagnostics, LLC DBA Color Health
Classification: Likely benign for Hereditary cancer-predisposing syndrome. Last evaluated: 2021-10-26. Review status: criteria provided, single submitter. Criteria: ACMG Guidelines, 2015. Collection method: clinical testing. Allele origin: germline.

Ambry Genetics
Classification: Likely benign for Hereditary cancer-predisposing syndrome; Familial thoracic aortic aneurysm and aortic dissection. Last evaluated: 2020-10-27. Review status: criteria provided, single submitter. Criteria: Ambry Variant Classification Scheme 2023. Collection method: clinical testing. Allele origin: germline.

NM_005359.6(SMAD4):c.1464T>G (p.Ala488=)

Gene: SMAD4 (SMAD family member 4; plus strand). Cytogenetic location: 18q21.2.
Variant type: single nucleotide variant.
Coding change: c.1464T>G on transcript NM_005359.6 (MANE Select); coding-DNA position 1464, T replaced by G.
Protein change: p.Ala488=; no amino-acid change (alanine 488 retained).
Molecular consequence: synonymous variant.
Genome position (GRCh38, 1-based): chr18:51,078,272, T>G. VCF-style: chr18-51078272-T-G. GRCh37 (hg19) VCF-style: chr18-48604642-T-G.
Identifiers: ClinVar variation 699908 (VCV000699908.14), dbSNP rs1555687539, ClinGen allele CA503873963.